The following is an entry in ClinVar:

ClinVar aggregate classification (germline): Uncertain significance (1 of 4 stars; one submission).

Submission:

Ambry Genetics
Classification: Uncertain significance. Last evaluated: 2024-01-16. Review status: criteria provided, single submitter. Criteria: Ambry Variant Classification Scheme 2023. Collection method: clinical testing. Allele origin: germline.
Comment: The p.S360C variant (also known as c.1079C>G), located in coding exon 9 of the FAM175A gene, results from a C to G substitution at nucleotide position 1079. The serine at codon 360 is replaced by cysteine, an amino acid with dissimilar properties. This amino acid position is conserved. In addition, this alteration is predicted to be tolerated by in silico analysis. Since supporting evidence is limited at this time, the clinical significance of this alteration remains unclear.

NM_139076.3(ABRAXAS1):c.1079C>G (p.Ser360Cys)

Gene: ABRAXAS1 (abraxas 1, BRCA1 A complex subunit; minus strand). Cytogenetic location: 4q21.23.
Variant type: single nucleotide variant.
Coding change: c.1079C>G on transcript NM_139076.3 (MANE Select); coding-DNA position 1079, C replaced by G.
Protein change: p.Ser360Cys; replaces serine 360 with cysteine.
Molecular consequence: missense variant.
Genome position (GRCh38, 1-based): chr4:83,462,620, G>C on the plus strand (C>G on the coding strand, the complement: ABRAXAS1 is on the minus strand). VCF-style: chr4-83462620-G-C. GRCh37 (hg19) VCF-style: chr4-84383773-G-C.
Other names: c.752C>G, p.Ser251Cys (NM_001345962.2); short protein forms S251C, S360C.
Identifiers: ClinVar variation 3229129 (VCV003229129.1), dbSNP rs2110032955, ClinGen allele CA357255220.